The following is an entry in ClinVar:

ClinVar aggregate classification (germline): Uncertain significance (1 of 4 stars; one submission).

Conditions:
Inborn genetic diseases. Identifiers: MedGen C0950123, MeSH D030342.

gnomAD v4.1: 1 of 1,603,424 alleles (0.000062%); highest among the groups gnomAD compares: Non-Finnish European, 0.000085%; no homozygotes.

Submission:

Ambry Genetics
Classification: Uncertain significance for Inborn genetic diseases. Last evaluated: 2025-01-08. Review status: criteria provided, single submitter. Criteria: Ambry Variant Classification Scheme 2023. Collection method: clinical testing. Allele origin: germline.
Comment: The p.G1040D variant (also known as c.3119G>A), located in coding exon 31 of the RTEL1 gene, results from a G to A substitution at nucleotide position 3119. The glycine at codon 1040 is replaced by aspartic acid, an amino acid with similar properties. This amino acid position is conserved. In addition, this alteration is predicted to be tolerated by in silico analysis. Based on the available evidence, the clinical significance of this variant remains unclear.

NM_001283009.2(RTEL1):c.3119G>A (p.Gly1040Asp)

Genes: RTEL1 (regulator of telomere elongation helicase 1; plus strand), RTEL1-TNFRSF6B (RTEL1-TNFRSF6B readthrough (NMD candidate); plus strand). Cytogenetic location: 20q13.33.
Variant type: single nucleotide variant.
Coding change: c.3119G>A on transcript NM_001283009.2 (MANE Select); coding-DNA position 3119, G replaced by A.
Protein change: p.Gly1040Asp; replaces glycine 1040 with aspartic acid.
Molecular consequence: missense variant. On other transcripts: non-coding transcript variant (1).
Genome position (GRCh38, 1-based): chr20:63,694,750, G>A. VCF-style: chr20-63694750-G-A. GRCh37 (hg19) VCF-style: chr20-62326103-G-A.
Other names: c.2450G>A, p.Gly817Asp (NM_001283010.1); c.3119G>A, p.Gly1040Asp (NM_016434.4); c.3191G>A, p.Gly1064Asp (NM_032957.5); short protein forms G1040D, G817D, G1064D.
Identifiers: ClinVar variation 3791044 (VCV003791044.1).